The following is an entry in ClinVar:

ClinVar aggregate classification (germline): Uncertain significance (1 of 4 stars; one submission).

gnomAD v4.1: 7 of 1,613,316 alleles (0.00043%); highest among the groups gnomAD compares: Non-Finnish European, 0.00059%; no homozygotes.

Submission:

Labcorp Genetics (formerly Invitae), Labcorp
Classification: Uncertain significance. Last evaluated: 2022-12-01. Review status: criteria provided, single submitter. Criteria: Invitae Variant Classification Sherloc (09022015). Collection method: clinical testing. Allele origin: germline.
Comment: In summary, the available evidence is currently insufficient to determine the role of this variant in disease. Therefore, it has been classified as a Variant of Uncertain Significance. Advanced modeling of protein sequence and biophysical properties (such as structural, functional, and spatial information, amino acid conservation, physicochemical variation, residue mobility, and thermodynamic stability) performed at Invitae indicates that this missense variant is not expected to disrupt CACNA1G protein function. ClinVar contains an entry for this variant (Variation ID: 1715246). This variant has not been reported in the literature in individuals affected with CACNA1G-related conditions. This variant is not present in population databases (gnomAD no frequency). This sequence change replaces aspartic acid, which is acidic and polar, with glycine, which is neutral and non-polar, at codon 2227 of the CACNA1G protein (p.Asp2227Gly).

NM_018896.5(CACNA1G):c.6680A>G (p.Asp2227Gly)

Gene: CACNA1G (calcium voltage-gated channel subunit alpha1 G; plus strand). Cytogenetic location: 17q21.33.
Variant type: single nucleotide variant.
Coding change: c.6680A>G on transcript NM_018896.5 (MANE Select); coding-DNA position 6680, A replaced by G.
Protein change: p.Asp2227Gly; replaces aspartic acid 2227 with glycine.
Molecular consequence: missense variant. On other transcripts: non-coding transcript variant (5), intron variant (3).
Genome position (GRCh38, 1-based): chr17:50,626,297, A>G. VCF-style: chr17-50626297-A-G. GRCh37 (hg19) VCF-style: chr17-48703658-A-G.
Other names: c.6491A>G, p.Asp2164Gly (NM_001256324.2); c.6422A>G, p.Asp2141Gly (NM_001256325.2); c.6410A>G, p.Asp2137Gly (NM_001256326.2); c.6380A>G, p.Asp2127Gly (NM_001256327.2); c.6326A>G, p.Asp2109Gly (NM_001256328.2); c.6299A>G, p.Asp2100Gly (NM_001256329.2, NM_198387.3); c.6266A>G, p.Asp2089Gly (NM_001256330.2); c.6332A>G, p.Asp2111Gly (NM_198382.3); and 18 more; short protein forms D2077G, D2082G, D2089G, D2093G, D2096G, D2098G, D2100G, D2107G.
Identifiers: ClinVar variation 1715246 (VCV001715246.5), dbSNP rs2053787213, ClinGen allele CA400238015.